The following is an entry in ClinVar:

NM_022095.4(ZNF335):c.715GTG[3] (p.Val242del)

Gene: ZNF335 (zinc finger protein 335; minus strand). Cytogenetic location: 20q13.12.
Variant type: Microsatellite.
Coding change: c.715GTG[3] on transcript NM_022095.4 (MANE Select); three copies in a row of the 3-base unit GTG starting at c.715; the reference has four copies in a row; one copy, 3 bases deleted.
Protein change: p.Val242del; deletes valine 242.
Molecular consequence: inframe deletion.
Genome position (GRCh38, 1-based): chr20:45,967,822-45,967,824, CAC deleted on the plus strand (GTG on the coding strand, the reverse complement: ZNF335 is on the minus strand); deleting any 3 consecutive bases within chr20:45,967,822-45,967,834 gives the same sequence; the position shown is the placement nearest the transcript's 3' end. VCF-style (leftmost placement, unchanged base first): chr20-45967821-GCAC-G. GRCh37 (hg19) VCF-style: chr20-44596460-GCAC-G.
Other names: c.724_726delGTG (NM_022095.3); short protein forms V242del.
Identifiers: ClinVar variation 561147 (VCV000561147.9), dbSNP rs759141702, ClinGen allele CA9885997.
Genomic context (GRCh38, chr20:45,967,821, plus strand): 5'-GGCGCAGCAGTGTGGCCTTGGTGCTGCTCCGGTACTGGCACATCTTGCATTTGAACTGCT[GCAC>G]CACCACCACCTCCATCATGGCCTCCAGGCTCTGCAGGTCCGGCTCTTCGGCACCGGAGGC-3'

ClinVar aggregate classification (germline): Conflicting classifications of pathogenicity. Review status: criteria provided, conflicting classifications (1 of 4 stars). 4 submissions from 4 submitters: Pathogenic (1); Uncertain significance (3). Last evaluated 2023-04-20.

Conditions:
Microcephalic primordial dwarfism due to ZNF335 deficiency. Also called: Primary autosomal recessive microcephaly 10. Identifiers: Orphanet 329228, MedGen C3554499, MONDO:0014043, OMIM 615095.

Submissions (4):

Duke University Health System Sequencing Clinic, Duke University Health System
Classification: Uncertain significance for Microcephalic primordial dwarfism due to ZNF335 deficiency. Last evaluated: 2023-04-20. Review status: criteria provided, single submitter. Criteria: ACMG Guidelines, 2015. Collection method: research. Allele origin: maternal. Affected: yes.

Mendelics
Classification: Pathogenic for Microcephalic primordial dwarfism due to ZNF335 deficiency. Last evaluated: 2022-05-04. Review status: criteria provided, single submitter. Criteria: Mendelics Assertion Criteria 2019. Collection method: clinical testing. Allele origin: germline.

Labcorp Genetics (formerly Invitae), Labcorp
Classification: Uncertain significance. Last evaluated: 2022-03-10. Review status: criteria provided, single submitter. Criteria: Invitae Variant Classification Sherloc (09022015). Collection method: clinical testing. Allele origin: germline.
Comment: In summary, the available evidence is currently insufficient to determine the role of this variant in disease. Therefore, it has been classified as a Variant of Uncertain Significance. ClinVar contains an entry for this variant (Variation ID: 561147). This variant has not been reported in the literature in individuals affected with ZNF335-related conditions. The frequency data for this variant in the population databases is considered unreliable, as metrics indicate poor data quality at this position in the gnomAD database. This variant, c.724_726del, results in the deletion of 1 amino acid(s) of the ZNF335 protein (p.Val242del), but otherwise preserves the integrity of the reading frame.

Baylor Genetics
Classification: Uncertain significance for Microcephalic primordial dwarfism due to ZNF335 deficiency. Last evaluated: 2017-09-01. Review status: criteria provided, single submitter. Criteria: ACMG Guidelines, 2015. Collection method: clinical testing. Allele origin: maternal. Inheritance: Autosomal recessive inheritance. Affected: yes.

Literature cited by the submitters: PubMed 25326635 (cited by Baylor Genetics).